The following is an entry in ClinVar:

ClinVar aggregate classification (germline): Likely benign (1 of 4 stars; one submission).

Allele frequency attached by ClinVar (database versions not stated): 1000 Genomes Project 30x 0.00078; 1000 Genomes Project 0.00080; ExAC 0.00166; gnomAD 0.00227; ESP Exome Variant Server 0.00319.
gnomAD v4.1: 5,422 of 1,612,902 alleles (0.34%); highest among the groups gnomAD compares: Non-Finnish European, 0.42%; 16 homozygotes.

Submission:

CeGaT Center for Human Genetics Tuebingen
Classification: Likely benign. Last evaluated: 2023-04-01. Review status: criteria provided, single submitter. Criteria: CeGaT Center For Human Genetics Tuebingen Variant Classification Criteria Version 2. Collection method: clinical testing. Allele origin: germline. Affected: yes. Observed: 1 variant allele.
Comment: SPATA31D1: BP4, BS2

NM_001001670.3(SPATA31D1):c.1963C>A (p.Pro655Thr)

Gene: SPATA31D1 (SPATA31 subfamily D member 1; plus strand). Cytogenetic location: 9q21.32.
Variant type: single nucleotide variant.
Coding change: c.1963C>A on transcript NM_001001670.3 (MANE Select); coding-DNA position 1963, C replaced by A.
Protein change: p.Pro655Thr; replaces proline 655 with threonine.
Molecular consequence: missense variant.
Genome position (GRCh38, 1-based): chr9:81,992,433, C>A. VCF-style: chr9-81992433-C-A. GRCh37 (hg19) VCF-style: chr9-84607348-C-A.
Other names: short protein forms P655T.
Identifiers: ClinVar variation 2659275 (VCV002659275.24), dbSNP rs142037367, ClinGen allele CA5099087.